The following is an entry in ClinVar:

NM_004006.3(DMD):c.376A>T (p.Asn126Tyr)

Gene: DMD (dystrophin; minus strand). Cytogenetic location: Xp21.1.
Variant type: single nucleotide variant.
Coding change: c.376A>T on transcript NM_004006.3 (MANE Select); coding-DNA position 376, A replaced by T.
Protein change: p.Asn126Tyr; replaces asparagine 126 with tyrosine.
Molecular consequence: missense variant.
Genome position (GRCh38, 1-based): chrX:32,816,622, T>A on the plus strand (A>T on the coding strand, the complement: DMD is on the minus strand). VCF-style: chrX-32816622-T-A. GRCh37 (hg19) VCF-style: chrX-32834739-T-A.
Other names: c.352A>T, p.Asn118Tyr (NM_000109.4); c.364A>T, p.Asn122Tyr (NM_004009.3); c.7A>T, p.Asn3Tyr (NM_004010.3); short protein forms N118Y, N122Y, N126Y, N3Y.
Identifiers: ClinVar variation 2128014 (VCV002128014.4), dbSNP rs756725662, ClinGen allele CA412674353.

ClinVar aggregate classification (germline): Uncertain significance (1 of 4 stars; one submission).

Conditions:
Duchenne muscular dystrophy (DMD). Also called: MUSCULAR DYSTROPHY, PSEUDOHYPERTROPHIC PROGRESSIVE, DUCHENNE TYPE; Duchenne Muscular Dystrophy (DMD). Identifiers: Orphanet 98896, MedGen C0013264, MONDO:0010679, OMIM 310200.

Submission:

Labcorp Genetics (formerly Invitae), Labcorp
Classification: Uncertain significance for Duchenne muscular dystrophy. Last evaluated: 2022-04-19. Review status: criteria provided, single submitter. Criteria: Invitae Variant Classification Sherloc (09022015). Collection method: clinical testing. Allele origin: germline.
Comment: Algorithms developed to predict the effect of missense changes on protein structure and function are either unavailable or do not agree on the potential impact of this missense change (SIFT: "Deleterious"; PolyPhen-2: "Probably Damaging"; Align-GVGD: "Class C15"). This variant has not been reported in the literature in individuals affected with DMD-related conditions. This variant is not present in population databases (gnomAD no frequency). This sequence change replaces asparagine, which is neutral and polar, with tyrosine, which is neutral and polar, at codon 126 of the DMD protein (p.Asn126Tyr). In summary, the available evidence is currently insufficient to determine the role of this variant in disease. Therefore, it has been classified as a Variant of Uncertain Significance.